The following is an entry in ClinVar:

ClinVar aggregate classification (germline): Uncertain significance. Review status: criteria provided, multiple submitters, no conflicts (2 of 4 stars). 2 submissions from 2 submitters: Uncertain significance (2). Last evaluated 2025-11-18.

Conditions:
Cardiovascular phenotype. Identifiers: MedGen CN230736.

gnomAD v4.1: 3 of 1,241,650 alleles (0.00024%); highest among the groups gnomAD compares: Non-Finnish European, 0.0003%; no homozygotes.

Submissions (2):

Labcorp Genetics (formerly Invitae), Labcorp
Classification: Uncertain significance. Last evaluated: 2025-11-18. Review status: criteria provided, single submitter. Criteria: Invitae Variant Classification Sherloc (09022015). Collection method: clinical testing. Allele origin: germline.
Comment: This sequence change replaces glutamic acid, which is acidic and polar, with aspartic acid, which is acidic and polar, at codon 188 of the ALPK3 protein (p.Glu188Asp). This variant is not present in population databases (gnomAD no frequency). This variant has not been reported in the literature in individuals affected with ALPK3-related conditions. ClinVar contains an entry for this variant (Variation ID: 3859364). An algorithm developed to predict the effect of missense changes on protein structure and function (PolyPhen-2) suggests that this variant is likely to be tolerated. In summary, the available evidence is currently insufficient to determine the role of this variant in disease. Therefore, it has been classified as a Variant of Uncertain Significance.

Ambry Genetics
Classification: Uncertain significance for Cardiovascular phenotype. Last evaluated: 2025-01-27. Review status: criteria provided, single submitter. Criteria: Ambry Variant Classification Scheme 2023. Collection method: clinical testing. Allele origin: germline.
Comment: The p.E188D variant (also known as c.564G>T), located in coding exon 1 of the ALPK3 gene, results from a G to T substitution at nucleotide position 564. The glutamic acid at codon 188 is replaced by aspartic acid, an amino acid with highly similar properties. This amino acid position is conserved. In addition, this alteration is predicted to be tolerated by in silico analysis. Based on the available evidence, the clinical significance of this variant remains unclear.

NM_020778.5(ALPK3):c.-43G>T

Gene: ALPK3 (alpha kinase 3; plus strand). Cytogenetic location: 15q25.3.
Variant type: single nucleotide variant.
Coding change: c.-43G>T on transcript NM_020778.5 (MANE Select); 43 bases upstream of the start codon, G replaced by T.
Molecular consequence: 5 prime UTR variant.
Genome position (GRCh38, 1-based): chr15:84,817,410, G>T. VCF-style: chr15-84817410-G-T. GRCh37 (hg19) VCF-style: chr15-85360641-G-T.
Identifiers: ClinVar variation 3859364 (VCV003859364.2).